The following is an entry in ClinVar:

ClinVar aggregate classification (germline): Uncertain significance (1 of 4 stars; one submission).

Conditions:
Familial adenomatous polyposis 1 (FAP1). Also called: FAMILIAL ADENOMATOUS POLYPOSIS 1, ATTENUATED; POLYPOSIS, ADENOMATOUS INTESTINAL. Identifiers: MedGen C2713442, MONDO:0021056, OMIM 175100. Disease mechanism: loss of function.

Submission:

Labcorp Genetics (formerly Invitae), Labcorp
Classification: Uncertain significance for Familial adenomatous polyposis 1. Last evaluated: 2026-01-26. Review status: criteria provided, single submitter. Criteria: Invitae Variant Classification Sherloc (09022015). Collection method: clinical testing. Allele origin: germline.
Comment: This variant occurs in a non-coding region of the APC gene. It does not change the encoded amino acid sequence of the APC protein. This variant is not present in population databases (gnomAD no frequency). This variant has not been reported in the literature in individuals affected with APC-related conditions. ClinVar contains an entry for this variant (Variation ID: 651775). Experimental studies and prediction algorithms are not available or were not evaluated, and the functional significance of this variant is currently unknown. In summary, the available evidence is currently insufficient to determine the role of this variant in disease. Therefore, it has been classified as a Variant of Uncertain Significance.

NM_001127511.3(APC):c.-174C>A

Gene: APC (APC regulator of Wnt signaling pathway; plus strand). Cytogenetic location: 5q22.2.
Variant type: single nucleotide variant.
Coding change: c.-174C>A on transcript NM_001127511.3; 174 bases upstream of the start codon, C replaced by A.
Molecular consequence: 5 prime UTR variant. On other transcripts: non-coding transcript variant (2).
Genome position (GRCh38, 1-based): chr5:112,707,544, C>A. VCF-style: chr5-112707544-C-A. GRCh37 (hg19) VCF-style: chr5-112043241-C-A.
Other names: c.-1392C>A (NM_001407472.1, NM_001407470.1); c.-357C>A (NM_001407447.1, NM_001407452.1, NM_001407456.1 and 3 more transcripts); c.-124C>A (NM_001407448.1, NM_001407450.1, NM_001407457.1 and 1 more transcripts); c.-148C>A (NM_001407453.1); c.-174C>A (NM_001354897.2, NM_001354902.2, NM_001407446.1).
Identifiers: ClinVar variation 651775 (VCV000651775.9), dbSNP rs1580995974, ClinGen allele CA915943579.